The following is an entry in ClinVar:

ClinVar aggregate classification (germline): Uncertain significance (1 of 4 stars; one submission).

Conditions:
Melanoma, cutaneous malignant, susceptibility to, 5. Also called: Cutaneous malignant melanoma 5. Identifiers: Orphanet 618, MedGen C2751295, MONDO:0013133, OMIM 613099.

gnomAD v4.1: 2 of 1,613,000 alleles (0.00012%); highest among the groups gnomAD compares: Non-Finnish European, 0.00017%; no homozygotes.

Submission:

Labcorp Genetics (formerly Invitae), Labcorp
Classification: Uncertain significance for Melanoma, cutaneous malignant, susceptibility to, 5. Last evaluated: 2024-04-01. Review status: criteria provided, single submitter. Criteria: Invitae Variant Classification Sherloc (09022015). Collection method: clinical testing. Allele origin: germline.
Comment: This sequence change replaces glycine, which is neutral and non-polar, with alanine, which is neutral and non-polar, at codon 89 of the MC1R protein (p.Gly89Ala). This variant is not present in population databases (gnomAD no frequency). This variant has not been reported in the literature in individuals affected with MC1R-related conditions. Advanced modeling of protein sequence and biophysical properties (such as structural, functional, and spatial information, amino acid conservation, physicochemical variation, residue mobility, and thermodynamic stability) performed at Invitae indicates that this missense variant is not expected to disrupt MC1R protein function with a negative predictive value of 80%. In summary, the available evidence is currently insufficient to determine the role of this variant in disease. Therefore, it has been classified as a Variant of Uncertain Significance.

NM_002386.4(MC1R):c.266G>C (p.Gly89Ala)

Gene: MC1R (melanocortin 1 receptor; plus strand). Cytogenetic location: 16q24.3.
Variant type: single nucleotide variant.
Coding change: c.266G>C on transcript NM_002386.4 (MANE Select); coding-DNA position 266, G replaced by C.
Protein change: p.Gly89Ala; replaces glycine 89 with alanine.
Molecular consequence: missense variant.
Genome position (GRCh38, 1-based): chr16:89,919,524, G>C. VCF-style: chr16-89919524-G-C. GRCh37 (hg19) VCF-style: chr16-89985932-G-C.
Other names: short protein forms G89A.
Identifiers: ClinVar variation 3703530 (VCV003703530.2).